The following is an entry in ClinVar:

NM_017780.4(CHD7):c.4494dup (p.Thr1499fs)

Gene: CHD7 (chromodomain helicase DNA binding protein 7; plus strand). Cytogenetic location: 8q12.2.
Variant type: Duplication.
Coding change: c.4494dup on transcript NM_017780.4 (MANE Select); coding-DNA position 4494, one base duplicated (T; older notation c.4494dupT).
Protein change: p.Thr1499fs; shifts the reading frame from threonine 1499.
Molecular consequence: frameshift variant. On other transcripts: intron variant (1).
Genome position (GRCh38, 1-based): chr8:60,838,216, T duplicated; the last of 2 consecutive T bases (chr8:60,838,215-60,838,216); duplicating either gives the same sequence. VCF-style (leftmost placement, unchanged base first): chr8-60838214-A-AT. GRCh37 (hg19) VCF-style: chr8-61750773-A-AT.
Other names: c.4494dupT (NM_017780.3); c.1717-24013dup (NM_001316690.1); short protein forms T1499fs.
Identifiers: ClinVar variation 572561 (VCV000572561.6), dbSNP rs1563645417, ClinGen allele CA891843136.

ClinVar aggregate classification (germline): Pathogenic (1 of 4 stars; one submission).

Conditions:
CHARGE syndrome (CHARGE). Also called: Hittner Hirsch Kreh syndrome; Coloboma, heart anomaly, choanal atresia, retardation, genital and ear anomalies; CHARGE association; Hall-Hittner syndrome; CHARGE ASSOCIATION--COLOBOMA, HEART ANOMALY, CHOANAL ATRESIA, RETARDATION, GENITAL AND EAR ANOMALIES. Identifiers: Orphanet 138, MedGen C0265354, MONDO:0008965.

Submission:

Labcorp Genetics (formerly Invitae), Labcorp
Classification: Pathogenic for CHARGE syndrome. Last evaluated: 2018-01-22. Review status: criteria provided, single submitter. Criteria: Invitae Variant Classification Sherloc (09022015). Collection method: clinical testing. Allele origin: germline.
Comment: This variant is not present in population databases (ExAC no frequency). This sequence change creates a premature translational stop signal (p.Thr1499Tyrfs*3) in the CHD7 gene. It is expected to result in an absent or disrupted protein product. This variant has not been reported in the literature in individuals with CHD7-related disease. For these reasons, this variant has been classified as Pathogenic. Loss-of-function variants in CHD7 are known to be pathogenic (PMID: 22461308, 25077900).

Literature cited by the submitters: PubMed 22461308; PubMed 25077900.